The following is an entry in ClinVar:

ClinVar aggregate classification (germline): Uncertain significance (1 of 4 stars; one submission).

Submission:

Ambry Genetics
Classification: Uncertain significance. Last evaluated: 2024-03-09. Review status: criteria provided, single submitter. Criteria: Ambry Variant Classification Scheme 2023. Collection method: clinical testing. Allele origin: germline.
Comment: The p.P1575T variant (also known as c.4723C>A), located in coding exon 4 of the ALPK2 gene, results from a C to A substitution at nucleotide position 4723. The proline at codon 1575 is replaced by threonine, an amino acid with highly similar properties. This amino acid position is conserved. In addition, this alteration is predicted to be tolerated by in silico analysis. Based on the available evidence, the clinical significance of this alteration remains unclear.

NM_052947.4(ALPK2):c.4723C>A (p.Pro1575Thr)

Genes: ALPK2 (alpha kinase 2; minus strand), LOC126862764 (BRD4-independent group 4 enhancer GRCh37_chr18:56202574-56203773; plus strand). Cytogenetic location: 18q21.31.
Variant type: single nucleotide variant.
Coding change: c.4723C>A on transcript NM_052947.4 (MANE Select); coding-DNA position 4723, C replaced by A.
Protein change: p.Pro1575Thr; replaces proline 1575 with threonine.
Molecular consequence: missense variant.
Genome position (GRCh38, 1-based): chr18:58,535,464, G>T on the plus strand (C>A on the coding strand, the complement: ALPK2 is on the minus strand). VCF-style: chr18-58535464-G-T. GRCh37 (hg19) VCF-style: chr18-56202696-G-T.
Other names: short protein forms P1575T.
Identifiers: ClinVar variation 3228762 (VCV003228762.1), dbSNP rs2051639319, ClinGen allele CA402560180.
Genomic context (GRCh38, chr18:58,535,464, plus strand): 5'-GCTCATTCTCAATAGTTCCCCTTTTCTGTGAAACAGGAAACACATACTGACGCTTTCTGG[G>T]CTCAACTATGTCATTTTCAGGGACGTCATGAATTTGGCCTGTGGAGTTGTGCGTGTCAAC-3'
Protein context (NP_443179.3, residues 1565-1585): HDVPENDIVE[Pro1575Thr]RKRQYVFPVS